The following is an entry in ClinVar:

ClinVar aggregate classification (germline): Benign/Likely benign. Review status: criteria provided, multiple submitters, no conflicts (2 of 4 stars). 3 submissions from 3 submitters: Benign (1); Likely benign (2). Last evaluated 2026-06-04.

Conditions:
Gastrointestinal stromal tumor. Also called: Gastrointestinal stromal tumor, somatic; Gastrointestinal stroma tumor. Identifiers: Orphanet 44890, MedGen C0238198, MeSH D046152, MONDO:0011719, OMIM 606764, HP:0100723.
Hereditary cancer-predisposing syndrome. Also called: Neoplastic Syndromes, Hereditary; Hereditary Cancer Syndrome; Hereditary neoplastic syndrome; Tumor predisposition. Identifiers: Orphanet 140162, MedGen C0027672, MeSH D009386, MONDO:0015356.

Allele frequency attached by ClinVar (database versions not stated): gnomAD exomes below 0.00001 and 0.00001.
gnomAD v4.1: 3 of 1,613,452 alleles (0.00019%); highest among the groups gnomAD compares: East Asian, 0.0022%; no homozygotes.

Submissions (3):

Myriad Genetics, Inc.
Classification: Benign for Gastrointestinal stromal tumor. Last evaluated: 2026-06-04. Review status: criteria provided, single submitter. Criteria: Myriad Autosomal Dominant, Autosomal Recessive and X-Linked Classification Criteria (2023). Collection method: clinical testing. Allele origin: unknown.
Comment: This variant is considered benign. This variant is a silent/synonymous amino acid change and it is not expected to impact splicing.

Labcorp Genetics (formerly Invitae), Labcorp
Classification: Likely benign for Gastrointestinal stromal tumor. Last evaluated: 2024-12-09. Review status: criteria provided, single submitter. Criteria: Invitae Variant Classification Sherloc (09022015). Collection method: clinical testing. Allele origin: germline.

Ambry Genetics
Classification: Likely benign for Hereditary cancer-predisposing syndrome. Last evaluated: 2022-09-12. Review status: criteria provided, single submitter. Criteria: Ambry Variant Classification Scheme 2023. Collection method: clinical testing. Allele origin: germline.

NM_000222.3(KIT):c.2127A>G (p.Ser709=)

Gene: KIT (KIT proto-oncogene, receptor tyrosine kinase; plus strand). Cytogenetic location: 4q12.
Variant type: single nucleotide variant.
Coding change: c.2127A>G on transcript NM_000222.3 (MANE Select); coding-DNA position 2127, A replaced by G.
Protein change: p.Ser709=; no amino-acid change (serine 709 retained).
Molecular consequence: synonymous variant.
Genome position (GRCh38, 1-based): chr4:54,729,471, A>G. VCF-style: chr4-54729471-A-G. GRCh37 (hg19) VCF-style: chr4-55595637-A-G.
Other names: c.2115A>G, p.Ser705= (NM_001093772.2, NM_001385286.1); c.2130A>G, p.Ser710= (NM_001385284.1, NM_001385290.1); c.2127A>G, p.Ser709= (NM_001385285.1); c.2118A>G, p.Ser706= (NM_001385288.1, NM_001385292.1).
Identifiers: ClinVar variation 705772 (VCV000705772.14), dbSNP rs1367360445, ClinGen allele CA439291643.